The following is an entry in ClinVar:

NM_001008537.3(NEXMIF):c.3041G>C (p.Cys1014Ser)

Gene: NEXMIF (neurite extension and migration factor; minus strand). Cytogenetic location: Xq13.3.
Variant type: single nucleotide variant.
Coding change: c.3041G>C on transcript NM_001008537.3 (MANE Select); coding-DNA position 3041, G replaced by C.
Protein change: p.Cys1014Ser; replaces cysteine 1014 with serine.
Molecular consequence: missense variant.
Genome position (GRCh38, 1-based): chrX:74,741,516, C>G on the plus strand (G>C on the coding strand, the complement: NEXMIF is on the minus strand). VCF-style: chrX-74741516-C-G. GRCh37 (hg19) VCF-style: chrX-73961351-C-G.
Other names: short protein forms C1014S.
Identifiers: ClinVar variation 2660933 (VCV002660933.24), dbSNP rs2519912955, ClinGen allele CA413666853.
Genomic context (GRCh38, chrX:74,741,516, plus strand): 5'-AGCTTAGGGCTGCAATGGGCCAGGAAGTCATCAGTGATATCATCATCGCCATCCTTTTCA[C>G]AGGACTTCAAGCTTAAGGAGCAATAATTACTTGAGCTGACAGAGAGTGGGGCCATTGAAT-3'
Protein context (NP_001008537.1, residues 1004-1024): SNYCSLSLKS[Cys1014Ser]EKDGDDDITD

ClinVar aggregate classification (germline): Uncertain significance (1 of 4 stars; one submission).

Allele frequency attached by ClinVar (database versions not stated): gnomAD exomes below 0.00001.
gnomAD v4.1: 1 of 1,211,511 alleles (0.000083%); highest among the groups gnomAD compares: Non-Finnish European, 0.00011%; no homozygotes.

Submission:

CeGaT Center for Human Genetics Tuebingen
Classification: Uncertain significance. Last evaluated: 2022-09-01. Review status: criteria provided, single submitter. Criteria: CeGaT Center For Human Genetics Tuebingen Variant Classification Criteria Version 2. Collection method: clinical testing. Allele origin: germline. Affected: yes. Observed: 1 variant allele.
Comment: NEXMIF: PM2, BP1